The following is an entry in ClinVar:

ClinVar aggregate classification (germline): Uncertain significance. Review status: criteria provided, multiple submitters, no conflicts (2 of 4 stars). 2 submissions from 2 submitters: Uncertain significance (2). Last evaluated 2026-02-06.

Conditions:
Hereditary cancer-predisposing syndrome. Also called: Tumor predisposition; Neoplastic Syndromes, Hereditary; Hereditary Cancer Syndrome; Hereditary neoplastic syndrome. Identifiers: Orphanet 140162, MedGen C0027672, MeSH D009386, MONDO:0015356.

Submissions (2):

Ambry Genetics
Classification: Uncertain significance for Hereditary cancer-predisposing syndrome. Last evaluated: 2026-02-06. Review status: criteria provided, single submitter. Criteria: Ambry Variant Classification Scheme 2023. Collection method: clinical testing. Allele origin: germline.
Comment: The c.1020G>A variant (also known as p.E340E), located in coding exon 10 of the POLE gene, results from a G to A substitution at nucleotide position 1020. This nucleotide substitution does not change the glutamic acid residue at codon 340. However, this change occurs in the last base pair of coding exon 10, which makes it likely to have some effect on normal mRNA splicing. This nucleotide position is highly conserved in available vertebrate species. In silico splice site analysis predicts that this alteration will weaken the native splice donor site and may result in the creation or strengthening of a novel splice donor site. Based on the available evidence, the clinical significance of this variant remains unclear.

Labcorp Genetics (formerly Invitae), Labcorp
Classification: Uncertain significance. Last evaluated: 2026-01-20. Review status: criteria provided, single submitter. Criteria: Invitae Variant Classification Sherloc (09022015). Collection method: clinical testing. Allele origin: germline.
Comment: This sequence change affects codon 340 of the POLE mRNA. It is a 'silent' change, meaning that it does not change the encoded amino acid sequence of the POLE protein. This variant also falls at the last nucleotide of exon 10, which is part of the consensus splice site for this exon. This variant is not present in population databases (gnomAD no frequency). This variant has not been reported in the literature in individuals affected with POLE-related conditions. ClinVar contains an entry for this variant (Variation ID: 822024). Variants that disrupt the consensus splice site are a relatively common cause of aberrant splicing (PMID: 17576681, 9536098). Algorithms developed to predict the effect of sequence changes on RNA splicing suggest that this variant may disrupt the consensus splice site. In summary, the available evidence is currently insufficient to determine the role of this variant in disease. Therefore, it has been classified as a Variant of Uncertain Significance.

Literature cited by the submitters: PubMed 17576681 (cited by Labcorp Genetics (formerly Invitae), Labcorp); PubMed 9536098 (cited by Labcorp Genetics (formerly Invitae), Labcorp).

NM_006231.4(POLE):c.1020G>A (p.Glu340=)

Gene: POLE (DNA polymerase epsilon, catalytic subunit; minus strand). Cytogenetic location: 12q24.33.
Variant type: single nucleotide variant.
Coding change: c.1020G>A on transcript NM_006231.4 (MANE Select); coding-DNA position 1020, G replaced by A.
Protein change: p.Glu340=; no amino-acid change (glutamic acid 340 retained).
Molecular consequence: synonymous variant.
Genome position (GRCh38, 1-based): chr12:132,676,094, C>T on the plus strand (G>A on the coding strand, the complement: POLE is on the minus strand). VCF-style: chr12-132676094-C-T. GRCh37 (hg19) VCF-style: chr12-133252680-C-T.
Identifiers: ClinVar variation 822024 (VCV000822024.6), dbSNP rs1593078178, ClinGen allele CA482722913.